The following is an entry in ClinVar:

ClinVar aggregate classification (germline): Likely benign. Review status: criteria provided, single submitter (1 of 4 stars). 2 submissions from 2 submitters: Likely benign (1). 1 of the submissions does not count toward it. Last evaluated 2024-11-14.

Conditions:
ADAMTSL2-related disorder. Also called: ADAMTSL2-related condition.

Allele frequency attached by ClinVar (database versions not stated): ExAC 0.00002; gnomAD 0.00005; gnomAD exomes 0.00007; TOPMed 0.00008.
gnomAD v4.1: 105 of 1,613,796 alleles (0.0065%); highest among the groups gnomAD compares: Non-Finnish European, 0.0086%; no homozygotes.

Submissions (2):

Blueprint Genetics
Classification: Likely benign. Last evaluated: 2024-11-14. Review status: criteria provided, single submitter. Criteria: ACMG Guidelines, 2015. Collection method: clinical testing. Allele origin: germline.

PreventionGenetics, part of Exact Sciences
Classification: Likely benign for ADAMTSL2-related condition. Last evaluated: 2019-05-20. Review status: no assertion criteria provided. Collection method: clinical testing. Allele origin: germline. Not counted in ClinVar's aggregate classification.
Comment: This variant is classified as likely benign based on ACMG/AMP sequence variant interpretation guidelines (Richards et al. 2015 PMID: 25741868, with internal and published modifications).

NM_014694.4(ADAMTSL2):c.522T>C (p.Thr174=)

Gene: ADAMTSL2 (ADAMTS like 2; plus strand). Cytogenetic location: 9q34.2.
Variant type: single nucleotide variant.
Coding change: c.522T>C on transcript NM_014694.4 (MANE Select); coding-DNA position 522, T replaced by C.
Protein change: p.Thr174=; no amino-acid change (threonine 174 retained).
Molecular consequence: synonymous variant.
Genome position (GRCh38, 1-based): chr9:133,540,707, T>C. VCF-style: chr9-133540707-T-C. GRCh37 (hg19) VCF-style: chr9-136405829-T-C.
Other names: c.522T>C, p.Thr174= (NM_001145320.2).
Identifiers: ClinVar variation 3039049 (VCV003039049.3), dbSNP rs758153700, ClinGen allele CA5312642.